The following is an entry in ClinVar:

NM_000065.5(C6):c.2049C>G (p.Tyr683Ter)

Gene: C6 (complement C6; minus strand). Cytogenetic location: 5p13.1.
Variant type: single nucleotide variant.
Coding change: c.2049C>G on transcript NM_000065.5 (MANE Select); coding-DNA position 2049, C replaced by G.
Protein change: p.Tyr683Ter; replaces tyrosine 683 with a stop codon.
Molecular consequence: nonsense.
Genome position (GRCh38, 1-based): chr5:41,155,024, G>C on the plus strand (C>G on the coding strand, the complement: C6 is on the minus strand). VCF-style: chr5-41155024-G-C. GRCh37 (hg19) VCF-style: chr5-41155126-G-C.
Other names: c.2049C>G, p.Tyr683Ter (NM_001115131.4); short protein forms Y683*.
Identifiers: ClinVar variation 800939 (VCV000800939.17), dbSNP rs867425110, ClinGen allele CA117758980.

ClinVar aggregate classification (germline): Pathogenic/Likely pathogenic. Review status: criteria provided, multiple submitters, no conflicts (2 of 4 stars). 7 submissions from 7 submitters: Pathogenic (3); Likely pathogenic (3). 1 of the submissions does not count toward it. Last evaluated 2025-12-04.

Conditions:
Complement component 6 deficiency (C6D). Also called: C6 DEFICIENCY. Identifiers: MedGen C2676232, MONDO:0012908, OMIM 612446.
C6-related disorder. Also called: C6-related condition.

gnomAD v4.1: 3 of 1,613,524 alleles (0.00019%); highest among the groups gnomAD compares: Middle Eastern, 0.05%; no homozygotes.

Submissions (7):

PreventionGenetics, part of Exact Sciences
Classification: Pathogenic for C6-related condition. Last evaluated: 2025-12-04. Review status: criteria provided, single submitter. Criteria: ACMG Guidelines, 2015. Collection method: clinical testing. Allele origin: germline.
Comment: The C6 c.2049C>G variant is predicted to result in premature protein termination (p.Tyr683*). This variant has been reported in the homozygous state in an individual with C6 deficiency (Bertoli-Avella et al. 2021. PubMed ID: 32860008). This variant has not been reported in a large population database, indicating this variant is rare. However, in a study of carrier variants in a Saudi Arabian population, this variant was seen in 1.15% of samples from the King Adullah International Medical Research Center Genomic Database and in 0.54% of samples from the Saudi Human Genome Project Database), suggesting that variant could possibly be a founder variant in this population (Aleissa et al. 2022. PubMed ID: 35112591). This variant is interpreted as pathogenic/likely pathogenic in ClinVar. Nonsense variants in C6 are expected to be pathogenic. This variant is interpreted as pathogenic.

Genomic Medicine Center of Excellence, King Faisal Specialist Hospital and Research Centre
Classification: Pathogenic for Complement component 6 deficiency. Last evaluated: 2024-03-26. Review status: criteria provided, single submitter. Criteria: ACMG Guidelines, 2015. Collection method: clinical testing. Allele origin: germline.

Department of Pathology and Laboratory Medicine, Sinai Health System
Classification: Likely pathogenic for Complement component 6 deficiency. Last evaluated: 2023-08-23. Review status: criteria provided, single submitter. Criteria: ACMG Guidelines, 2015. Collection method: research. Allele origin: germline.

Labcorp Genetics (formerly Invitae), Labcorp
Classification: Pathogenic. Last evaluated: 2023-02-05. Review status: criteria provided, single submitter. Criteria: Invitae Variant Classification Sherloc (09022015). Collection method: clinical testing. Allele origin: germline.
Comment: For these reasons, this variant has been classified as Pathogenic. Algorithms developed to predict the effect of sequence changes on RNA splicing suggest that this variant may disrupt the consensus splice site. ClinVar contains an entry for this variant (Variation ID: 800939). This premature translational stop signal has been observed in individual(s) with complement component 6 deficiency (PMID: 32860008). This variant is not present in population databases (gnomAD no frequency). This sequence change creates a premature translational stop signal (p.Tyr683*) in the C6 gene. It is expected to result in an absent or disrupted protein product. Loss-of-function variants in C6 are known to be pathogenic (PMID: 17257682).

GeneDx
Classification: Likely pathogenic. Last evaluated: 2022-06-01. Review status: criteria provided, single submitter. Criteria: GeneDx Variant Classification Process June 2021. Collection method: clinical testing. Allele origin: germline. Affected: yes.
Comment: Nonsense variant predicted to result in protein truncation or nonsense mediated decay in a gene for which loss-of-function is a known mechanism of disease; Not observed in large population cohorts (gnomAD); Observed as apparently homozygous in a patient who underwent genome sequencing; however this patient had no reported features of C6-related complement factor deficiency (Bertoli-Avella et al., 2021); This variant is associated with the following publications: (PMID: 32860008)

CENTOGENE GmbH and LLC - Guiding Precision Medicine
Classification: Likely pathogenic for Complement component 6 deficiency. Review status: criteria provided, single submitter. Criteria: ACMG Guidelines, 2015. Collection method: clinical testing. Allele origin: germline. Affected: yes.

Biochemical Molecular Genetic Laboratory, King Abdulaziz Medical City
Classification: Likely pathogenic for Complement component 6 deficiency. Last evaluated: 2019-09-26. Review status: no assertion criteria provided. Collection method: clinical testing. Allele origin: germline. Affected: yes. Not counted in ClinVar's aggregate classification.

Literature cited by the submitters: PubMed 32860008 (cited by Labcorp Genetics (formerly Invitae), Labcorp and CENTOGENE GmbH and LLC - Guiding Precision Medicine); PubMed 17257682 (cited by Labcorp Genetics (formerly Invitae), Labcorp).